The following is an entry in ClinVar:

ClinVar aggregate classification (germline): Conflicting classifications of pathogenicity. Review status: criteria provided, conflicting classifications (1 of 4 stars). 3 submissions from 3 submitters: Pathogenic (1); Uncertain significance (2). Last evaluated 2024-06-05.

Conditions:
Bardet-Biedl syndrome 14 (BBS14). Identifiers: Orphanet 110, MedGen C2673874, MONDO:0014442, OMIM 615991.
Meckel syndrome, type 3 (MKS3). Also called: MECKEL-GRUBER SYNDROME, TYPE 3. Identifiers: Orphanet 564, MedGen C1846357, MONDO:0011821, OMIM 607361.
Nephronophthisis 11 (NPHP11). Identifiers: Orphanet 84081, MedGen C3150796, MONDO:0013302, OMIM 613550.
RHYNS syndrome. Also called: RETINITIS PIGMENTOSA SYNDROME; RETINITIS PIGMENTOSA, HYPOPITUITARISM, NEPHRONOPHTHISIS, AND MILD SKELETAL DYSPLASIA. Identifiers: Orphanet 140976, MedGen C1865794, MONDO:0011202, OMIM 602152.
Joubert syndrome 6 (JBTS6). Identifiers: Orphanet 475, MedGen C1853153, MONDO:0012539, OMIM 610688.
COACH syndrome 1. Identifiers: Orphanet 1454, MedGen C5435651, MONDO:0800103, OMIM 216360, MONDO:0008996.

Allele frequency attached by ClinVar (database versions not stated): gnomAD exomes below 0.00001; TOPMed below 0.00001.
gnomAD v4.1: 2 of 1,612,238 alleles (0.00012%); highest among the groups gnomAD compares: Non-Finnish European, 0.00017%; no homozygotes.

Submissions (3):

Fulgent Genetics
Classification: Uncertain significance for COACH syndrome 1; RHYNS syndrome; Meckel syndrome, type 3; Joubert syndrome 6; Nephronophthisis 11; Bardet-Biedl syndrome 14. Last evaluated: 2024-06-05. Review status: criteria provided, single submitter. Criteria: ACMG Guidelines, 2015. Collection method: clinical testing. Allele origin: germline.

GeneDx
Classification: Uncertain significance. Last evaluated: 2021-01-18. Review status: criteria provided, single submitter. Criteria: GeneDx Variant Classification Process June 2021. Collection method: clinical testing. Allele origin: germline. Affected: yes.
Comment: Not observed in large population cohorts (Lek et al., 2016); In silico analysis supports that this missense variant has a deleterious effect on protein structure/function; Observed in an individual with Joubert syndrome and an individual with COACH syndrome with a second TMEM67 variant, but it is not known whether the variants occurred on the same (in cis) or on different (in trans) chromosomes (Bachmann-Gagescu et al., 2015; Doherty et al., 2010); This variant is associated with the following publications: (PMID: 32000717, 26092869, 19574260)

UW Hindbrain Malformation Research Program, University of Washington
Classification: Pathogenic for Joubert syndrome 6. Last evaluated: 2015-02-23. Review status: criteria provided, single submitter. Criteria: Bachmann-Gagescu et al. (J Med Genet. 2015). Collection method: research. Allele origin: unknown. Affected: yes.

NM_153704.6(TMEM67):c.2825T>G (p.Phe942Cys)

Gene: TMEM67 (transmembrane protein 67; plus strand). Cytogenetic location: 8q22.1.
Variant type: single nucleotide variant.
Coding change: c.2825T>G on transcript NM_153704.6 (MANE Select); coding-DNA position 2825, T replaced by G.
Protein change: p.Phe942Cys; replaces phenylalanine 942 with cysteine.
Molecular consequence: missense variant. On other transcripts: non-coding transcript variant (1).
Genome position (GRCh38, 1-based): chr8:93,815,365, T>G. VCF-style: chr8-93815365-T-G. GRCh37 (hg19) VCF-style: chr8-94827593-T-G.
Other names: c.2582T>G, p.Phe861Cys (NM_001142301.1); short protein forms F861C, F942C.
Identifiers: ClinVar variation 217722 (VCV000217722.4), dbSNP rs863225233, ClinGen allele CA279557.